The following is an entry in ClinVar:

ClinVar aggregate classification (germline): Uncertain significance (1 of 4 stars; one submission).

Conditions:
Atrioventricular septal defect 4 (AVSD4). Identifiers: MedGen C3280781, MONDO:0013747, OMIM 614430.

Allele frequency attached by ClinVar (database versions not stated): gnomAD 0.00001; gnomAD exomes 0.00002; 1000 Genomes Project 30x 0.00016; ExAC 0.00002.

Submission:

Labcorp Genetics (formerly Invitae), Labcorp
Classification: Uncertain significance for Atrioventricular septal defect 4. Last evaluated: 2024-02-16. Review status: criteria provided, single submitter. Criteria: Invitae Variant Classification Sherloc (09022015). Collection method: clinical testing. Allele origin: germline.
Comment: This sequence change replaces alanine, which is neutral and non-polar, with threonine, which is neutral and polar, at codon 353 of the GATA4 protein (p.Ala353Thr). This variant is present in population databases (rs770938655, gnomAD 0.004%). This missense change has been observed in individual(s) with tetralogy of Fallot (PMID: 23626780). ClinVar contains an entry for this variant (Variation ID: 860822). Advanced modeling of protein sequence and biophysical properties (such as structural, functional, and spatial information, amino acid conservation, physicochemical variation, residue mobility, and thermodynamic stability) performed at Invitae indicates that this missense variant is not expected to disrupt GATA4 protein function with a negative predictive value of 80%. Experimental studies have shown that this missense change affects GATA4 function (PMID: 23626780). In summary, the available evidence is currently insufficient to determine the role of this variant in disease. Therefore, it has been classified as a Variant of Uncertain Significance.

Literature cited by the submitters: PubMed 23626780.

NM_001308093.3(GATA4):c.1060G>A (p.Ala354Thr)

Gene: GATA4 (GATA binding protein 4). Cytogenetic location: 8p23.1.
Variant type: single nucleotide variant.
Coding change: c.1060G>A on transcript NM_001308093.3 (MANE Select); coding-DNA position 1060, G replaced by A.
Protein change: p.Ala354Thr; replaces alanine 354 with threonine.
Molecular consequence: missense variant.
Genome position (GRCh38, 1-based): chr8:11,756,994, G>A. VCF-style: chr8-11756994-G-A. GRCh37 (hg19) VCF-style: chr8-11614503-G-A.
Other names: c.439G>A, p.Ala147Thr (NM_001308094.2, NM_001374273.1); c.313G>A, p.Ala105Thr (NM_001374274.1); c.1057G>A, p.Ala353Thr (NM_002052.5); short protein forms A105T, A147T, A353T, A354T.
Identifiers: ClinVar variation 860822 (VCV000860822.10), dbSNP rs770938655, ClinGen allele CA4630810.
Genomic context (GRCh38, chr8:11,756,994, plus strand): 5'-GCTCCTTCAGGCAGTGAGAGCCTTCCTCCCGCCAGCGGTGCTTCCAGCAACTCCAGCAAC[G>A]CCACCACCAGCAGCAGCGAGGAGATGCGTCCCATCAAGACGGAGCCTGGCCTGTCATCTC-3'
Protein context (NP_001295022.1, residues 344-364): ASGASSNSSN[Ala354Thr]TTSSSEEMRP